The following is an entry in ClinVar:

NM_000239.3(LYZ):c.307C>G (p.Leu103Val)

Gene: LYZ (lysozyme; plus strand). Cytogenetic location: 12q15.
Variant type: single nucleotide variant.
Coding change: c.307C>G on transcript NM_000239.3 (MANE Select); coding-DNA position 307, C replaced by G.
Protein change: p.Leu103Val; replaces leucine 103 with valine.
Molecular consequence: missense variant.
Genome position (GRCh38, 1-based): chr12:69,352,225, C>G. VCF-style: chr12-69352225-C-G. GRCh37 (hg19) VCF-style: chr12-69746005-C-G.
Other names: short protein forms L103V.
Identifiers: ClinVar variation 4688886 (VCV004688886.1).

ClinVar aggregate classification (germline): Uncertain significance (1 of 4 stars; one submission).

gnomAD v4.1: 1 of 1,612,942 alleles (0.000062%); highest among the groups gnomAD compares: African/African-American, 0.0013%; no homozygotes.

Submission:

Women's Health and Genetics/Laboratory Corporation of America, LabCorp
Classification: Uncertain significance. Last evaluated: 2025-12-23. Review status: criteria provided, single submitter. Criteria: LabCorp Variant Classification Summary - May 2015. Collection method: clinical testing. Allele origin: germline.
Comment: Variant summary: LYZ c.307C>G (p.Leu103Val) results in a conservative amino acid change in the encoded protein sequence. Algorithms developed to predict the effect of missense changes on protein structure and function all suggest that this variant is likely to be tolerated. The variant was absent in 251468 control chromosomes. The available data on variant occurrences in the general population are insufficient to allow any conclusion about variant significance. To our knowledge, no occurrence of c.307C>G in individuals affected with LYZ-related conditions and no experimental evidence demonstrating its impact on protein function have been reported. No submitters have cited clinical-significance assessments for this variant to ClinVar. Based on the evidence outlined above, the variant was classified as uncertain significance.